The following is an entry in ClinVar:

ClinVar aggregate classification (germline): Uncertain significance. Review status: criteria provided, multiple submitters, no conflicts (2 of 4 stars). 2 submissions from 2 submitters: Uncertain significance (2). Last evaluated 2025-06-20.

Conditions:
Cardiovascular phenotype. Identifiers: MedGen CN230736.
Dilated cardiomyopathy 1KK (CMD1KK). Identifiers: Orphanet 154, Orphanet 75249, MedGen C3714995, MONDO:0014100, OMIM 615248.

Allele frequency attached by ClinVar (database versions not stated): gnomAD exomes below 0.00001.
gnomAD v4.1: 1 of 1,614,056 alleles (0.000062%); highest among the groups gnomAD compares: Non-Finnish European, 0.000085%; no homozygotes.

Submissions (2):

Ambry Genetics
Classification: Uncertain significance for Cardiovascular phenotype. Last evaluated: 2025-06-20. Review status: criteria provided, single submitter. Criteria: Ambry Variant Classification Scheme 2023. Collection method: clinical testing. Allele origin: germline.
Comment: The p.S1031P variant (also known as c.3091T>C), located in coding exon 14 of the MYPN gene, results from a T to C substitution at nucleotide position 3091. The serine at codon 1031 is replaced by proline, an amino acid with similar properties. This amino acid position is conserved. In addition, this alteration is predicted to be deleterious by in silico analysis. Based on the available evidence, the clinical significance of this variant remains unclear.

Labcorp Genetics (formerly Invitae), Labcorp
Classification: Uncertain significance for Dilated cardiomyopathy 1KK. Last evaluated: 2022-03-19. Review status: criteria provided, single submitter. Criteria: Invitae Variant Classification Sherloc (09022015). Collection method: clinical testing. Allele origin: germline.
Comment: In summary, the available evidence is currently insufficient to determine the role of this variant in disease. Therefore, it has been classified as a Variant of Uncertain Significance. Algorithms developed to predict the effect of missense changes on protein structure and function are either unavailable or do not agree on the potential impact of this missense change (SIFT: "Tolerated"; PolyPhen-2: "Probably Damaging"; Align-GVGD: "Class C0"). This variant has not been reported in the literature in individuals affected with MYPN-related conditions. This variant is not present in population databases (gnomAD no frequency). This sequence change replaces serine, which is neutral and polar, with proline, which is neutral and non-polar, at codon 1031 of the MYPN protein (p.Ser1031Pro).

NM_032578.4(MYPN):c.3091T>C (p.Ser1031Pro)

Gene: MYPN (myopalladin; plus strand). Cytogenetic location: 10q21.3.
Variant type: single nucleotide variant.
Coding change: c.3091T>C on transcript NM_032578.4 (MANE Select); coding-DNA position 3091, T replaced by C.
Protein change: p.Ser1031Pro; replaces serine 1031 with proline.
Molecular consequence: missense variant. On other transcripts: non-coding transcript variant (2).
Genome position (GRCh38, 1-based): chr10:68,195,465, T>C. VCF-style: chr10-68195465-T-C. GRCh37 (hg19) VCF-style: chr10-69955222-T-C.
Other names: c.3091T>C, p.Ser1031Pro (NM_001256267.2); c.2209T>C, p.Ser737Pro (NM_001256268.2); c.3091T>C (NM_032578.2); short protein forms S737P, S1031P.
Identifiers: ClinVar variation 1351599 (VCV001351599.9), dbSNP rs2134281687, ClinGen allele CA376857335.